The following is an entry in ClinVar:

ClinVar aggregate classification (germline): Pathogenic (1 of 4 stars; one submission).

Submission:

GeneDx
Classification: Pathogenic. Last evaluated: 2016-11-22. Review status: criteria provided, single submitter. Criteria: GeneDx Variant Classification (06012015). Collection method: clinical testing. Allele origin: germline. Affected: yes.
Comment: The c.3212_3213delCA pathogenic variant in the TSC2 gene causes a frameshift starting with codon Threonine 1071, changes this amino acid to a Lysine residue and creates a premature Stop codon at position 96 of the new reading frame, denoted p.Thr1071LysfsX96. This pathogenic variant is predicted to cause loss of normal protein function either through protein truncation or nonsense-mediated mRNA decay. Additionally, it was not observed in approximately 6,500 individuals of European and African American ancestry in the NHLBI Exome Sequencing Project, indicating it is not a common benign variant in these populations. Although this pathogenic variant has not been previously reported to our knowledge, the presence of c.3212_3213delCA is consistent with a diagnosis of tuberous sclerosis complex.

NM_000548.5(TSC2):c.3212_3213del (p.Thr1071fs)

Gene: TSC2 (TSC complex subunit 2; plus strand). Cytogenetic location: 16p13.3.
Variant type: Deletion.
Coding change: c.3212_3213del on transcript NM_000548.5 (MANE Select); coding-DNA positions 3212 to 3213, 2 bases deleted (CA; older notation c.3212_3213delCA).
Protein change: p.Thr1071fs; shifts the reading frame from threonine 1071.
Molecular consequence: frameshift variant.
Genome position (GRCh38, 1-based): chr16:2,079,356-2,079,357, CA deleted; deleting any 2 consecutive bases within chr16:2,079,355-2,079,357 gives the same sequence; the c. name uses the placement nearest the transcript's 3' end. VCF-style (leftmost placement, unchanged base first): chr16-2079354-GAC-G. GRCh37 (hg19) VCF-style: chr16-2129355-GAC-G.
Other names: c.3080_3081del, p.Thr1027fs (NM_001077183.3, NM_001370404.1); c.3212_3213del, p.Thr1071fs (NM_001114382.3); c.2972_2973del, p.Thr991fs (NM_001318827.2); c.2936_2937del, p.Thr979fs (NM_001318829.2); c.2480_2481del, p.Thr827fs (NM_001318831.2); c.3113_3114del, p.Thr1038fs (NM_001318832.2); c.3083_3084del, p.Thr1028fs (NM_001363528.2, NM_001370405.1, NM_021055.3); short protein forms T1027fs, T1028fs, T827fs, T1038fs, T1071fs, T979fs, T991fs.
Identifiers: ClinVar variation 373495 (VCV000373495.2), dbSNP rs1057518448, ClinGen allele CA16042979.